The following is an entry in ClinVar:

NM_006015.6(ARID1A):c.5613C>G (p.His1871Gln)

Gene: ARID1A (AT-rich interaction domain 1A; plus strand). Cytogenetic location: 1p36.11.
Variant type: single nucleotide variant.
Coding change: c.5613C>G on transcript NM_006015.6 (MANE Select); coding-DNA position 5613, C replaced by G.
Protein change: p.His1871Gln; replaces histidine 1871 with glutamine.
Molecular consequence: missense variant.
Genome position (GRCh38, 1-based): chr1:26,779,511, C>G. VCF-style: chr1-26779511-C-G. GRCh37 (hg19) VCF-style: chr1-27106002-C-G.
Other names: c.4962C>G, p.His1654Gln (NM_139135.4); short protein forms H1654Q, H1871Q.
Identifiers: ClinVar variation 2714908 (VCV002714908.3), dbSNP rs772057809, ClinGen allele CA339186067.
Genomic context (GRCh38, chr1:26,779,511, plus strand): 5'-CACTGAGCATATCCAGACCCACTTCGAGAGCAAGACAGAGCTGCTGCCTTCCCGGCCTCA[C>G]GCACCCTGCCCACCAGCCCCTCGGAAGCATGTGACAACAGCAGAGGGTACACCAGGGACA-3'
Protein context (NP_006006.3, residues 1861-1881): SKTELLPSRP[His1871Gln]APCPPAPRKH

ClinVar aggregate classification (germline): Uncertain significance (1 of 4 stars; one submission).

gnomAD v4.1: 16 of 1,613,984 alleles (0.00099%); highest among the groups gnomAD compares: Non-Finnish European, 0.0013%; no homozygotes.

Submission:

Labcorp Genetics (formerly Invitae), Labcorp
Classification: Uncertain significance. Last evaluated: 2024-12-11. Review status: criteria provided, single submitter. Criteria: Invitae Variant Classification Sherloc (09022015). Collection method: clinical testing. Allele origin: germline.
Comment: This sequence change replaces histidine, which is basic and polar, with glutamine, which is neutral and polar, at codon 1871 of the ARID1A protein (p.His1871Gln). This variant is present in population databases (no rsID available, gnomAD 0.0009%). This variant has not been reported in the literature in individuals affected with ARID1A-related conditions. ClinVar contains an entry for this variant (Variation ID: 2714908). Invitae Evidence Modeling of protein sequence and biophysical properties (such as structural, functional, and spatial information, amino acid conservation, physicochemical variation, residue mobility, and thermodynamic stability) indicates that this missense variant is not expected to disrupt ARID1A protein function with a negative predictive value of 80%. In summary, the available evidence is currently insufficient to determine the role of this variant in disease. Therefore, it has been classified as a Variant of Uncertain Significance.